The following is an entry in ClinVar:

ClinVar aggregate classification (germline): Uncertain significance (1 of 4 stars; one submission).

gnomAD v4.1: 2 of 1,551,986 alleles (0.00013%); highest among the groups gnomAD compares: Admixed American, 0.0039%; no homozygotes.

Submission:

Labcorp Genetics (formerly Invitae), Labcorp
Classification: Uncertain significance. Last evaluated: 2021-04-14. Review status: criteria provided, single submitter. Criteria: Invitae Variant Classification Sherloc (09022015). Collection method: clinical testing. Allele origin: germline.
Comment: In summary, the available evidence is currently insufficient to determine the role of this variant in disease. Therefore, it has been classified as a Variant of Uncertain Significance. Algorithms developed to predict the effect of missense changes on protein structure and function (SIFT, PolyPhen-2, Align-GVGD) all suggest that this variant is likely to be tolerated, but these predictions have not been confirmed by published functional studies and their clinical significance is uncertain. This variant has not been reported in the literature in individuals with SLC24A1-related conditions. This variant is not present in population databases (ExAC no frequency). This sequence change replaces asparagine with isoleucine at codon 806 of the SLC24A1 protein (p.Asn806Ile). The asparagine residue is weakly conserved and there is a large physicochemical difference between asparagine and isoleucine.

NM_004727.3(SLC24A1):c.2417A>T (p.Asn806Ile)

Gene: SLC24A1 (solute carrier family 24 member 1; plus strand). Cytogenetic location: 15q22.31.
Variant type: single nucleotide variant.
Coding change: c.2417A>T on transcript NM_004727.3 (MANE Select); coding-DNA position 2417, A replaced by T.
Protein change: p.Asn806Ile; replaces asparagine 806 with isoleucine.
Molecular consequence: missense variant.
Genome position (GRCh38, 1-based): chr15:65,650,566, A>T. VCF-style: chr15-65650566-A-T. GRCh37 (hg19) VCF-style: chr15-65942904-A-T.
Other names: c.398A>T, p.Asn133Ile (NM_001254740.2); c.2417A>T, p.Asn806Ile (NM_001301031.1); c.2363A>T, p.Asn788Ile (NM_001301032.1, NM_001301033.2); short protein forms N788I, N806I, N133I.
Identifiers: ClinVar variation 1467905 (VCV001467905.6), dbSNP rs1393504574, ClinGen allele CA392899280.